The following is an entry in ClinVar:

NM_021098.3(CACNA1H):c.956G>C (p.Trp319Ser)

Gene: CACNA1H (calcium voltage-gated channel subunit alpha1 H; plus strand). Cytogenetic location: 16p13.3.
Variant type: single nucleotide variant.
Coding change: c.956G>C on transcript NM_021098.3 (MANE Select); coding-DNA position 956, G replaced by C.
Protein change: p.Trp319Ser; replaces tryptophan 319 with serine.
Molecular consequence: missense variant.
Genome position (GRCh38, 1-based): chr16:1,200,408, G>C. VCF-style: chr16-1200408-G-C. GRCh37 (hg19) VCF-style: chr16-1250408-G-C.
Other names: c.956G>C, p.Trp319Ser (NM_001005407.2); short protein forms W319S.
Identifiers: ClinVar variation 2931962 (VCV002931962.3), dbSNP rs2141243141, ClinGen allele CA394157257.

ClinVar aggregate classification (germline): Uncertain significance (1 of 4 stars; one submission).

Conditions:
Hyperaldosteronism, familial, type IV (HALD4). Also called: FH IV; ALDOSTERONISM, PRIMARY, AND HYPERTENSION. Identifiers: Orphanet 642671, MedGen C4310756, MONDO:0014875, OMIM 617027.
Idiopathic generalized epilepsy. Also called: EIG; Generalised epilepsy. Identifiers: MedGen C0270850, MONDO:0005579, OMIM 600669.

Submission:

Labcorp Genetics (formerly Invitae), Labcorp
Classification: Uncertain significance for Idiopathic generalized epilepsy; Hyperaldosteronism, familial, type IV. Last evaluated: 2023-06-29. Review status: criteria provided, single submitter. Criteria: Invitae Variant Classification Sherloc (09022015). Collection method: clinical testing. Allele origin: germline.
Comment: This sequence change replaces tryptophan, which is neutral and slightly polar, with serine, which is neutral and polar, at codon 319 of the CACNA1H protein (p.Trp319Ser). This variant is not present in population databases (gnomAD no frequency). This variant has not been reported in the literature in individuals affected with CACNA1H-related conditions. Advanced modeling of protein sequence and biophysical properties (such as structural, functional, and spatial information, amino acid conservation, physicochemical variation, residue mobility, and thermodynamic stability) performed at Invitae indicates that this missense variant is not expected to disrupt CACNA1H protein function. In summary, the available evidence is currently insufficient to determine the role of this variant in disease. Therefore, it has been classified as a Variant of Uncertain Significance.